The following is an entry in ClinVar:

ClinVar aggregate classification (germline): Uncertain significance. Review status: criteria provided, multiple submitters, no conflicts (2 of 4 stars). 2 submissions from 2 submitters: Uncertain significance (2). Last evaluated 2025-04-14.

Conditions:
Inborn genetic diseases. Identifiers: MedGen C0950123, MeSH D030342.

Allele frequency attached by ClinVar (database versions not stated): TOPMed below 0.00001; gnomAD exomes 0.00001; ExAC 0.00002.

Submissions (2):

Ambry Genetics
Classification: Uncertain significance for Inborn genetic diseases. Last evaluated: 2025-04-14. Review status: criteria provided, single submitter. Criteria: Ambry Variant Classification Scheme 2023. Collection method: clinical testing. Allele origin: germline.

Labcorp Genetics (formerly Invitae), Labcorp
Classification: Uncertain significance. Last evaluated: 2024-12-03. Review status: criteria provided, single submitter. Criteria: Invitae Variant Classification Sherloc (09022015). Collection method: clinical testing. Allele origin: germline.
Comment: This sequence change replaces glutamine, which is neutral and polar, with arginine, which is basic and polar, at codon 589 of the VPS13D protein (p.Gln589Arg). This variant is present in population databases (rs766116046, gnomAD 0.02%). This variant has not been reported in the literature in individuals affected with VPS13D-related conditions. ClinVar contains an entry for this variant (Variation ID: 1952109). Invitae Evidence Modeling of protein sequence and biophysical properties (such as structural, functional, and spatial information, amino acid conservation, physicochemical variation, residue mobility, and thermodynamic stability) indicates that this missense variant is not expected to disrupt VPS13D protein function with a negative predictive value of 80%. In summary, the available evidence is currently insufficient to determine the role of this variant in disease. Therefore, it has been classified as a Variant of Uncertain Significance.

NM_015378.4(VPS13D):c.1766A>G (p.Gln589Arg)

Gene: VPS13D (vacuolar protein sorting 13 homolog D; plus strand). Cytogenetic location: 1p36.22.
Variant type: single nucleotide variant.
Coding change: c.1766A>G on transcript NM_015378.4 (MANE Select); coding-DNA position 1766, A replaced by G.
Protein change: p.Gln589Arg; replaces glutamine 589 with arginine.
Molecular consequence: missense variant.
Genome position (GRCh38, 1-based): chr1:12,267,885, A>G. VCF-style: chr1-12267885-A-G. GRCh37 (hg19) VCF-style: chr1-12327942-A-G.
Other names: c.1766A>G, p.Gln589Arg (NM_018156.4); c.1766A>G (NM_015378.2); short protein forms Q589R.
Identifiers: ClinVar variation 1952109 (VCV001952109.6), dbSNP rs766116046, ClinGen allele CA601621.